The following is an entry in ClinVar:

ClinVar aggregate classification (germline): Uncertain significance (1 of 4 stars; one submission).

Submission:

Labcorp Genetics (formerly Invitae), Labcorp
Classification: Uncertain significance. Last evaluated: 2026-01-20. Review status: criteria provided, single submitter. Criteria: Invitae Variant Classification Sherloc (09022015). Collection method: clinical testing. Allele origin: germline.
Comment: This sequence change replaces leucine, which is neutral and non-polar, with phenylalanine, which is neutral and non-polar, at codon 857 of the SAMD9 protein (p.Leu857Phe). This variant is not present in population databases (gnomAD no frequency). This variant has not been reported in the literature in individuals affected with SAMD9-related conditions. Invitae Evidence Modeling of protein sequence and biophysical properties (such as structural, functional, and spatial information, amino acid conservation, physicochemical variation, residue mobility, and thermodynamic stability) has been performed for this missense variant. However, the output from this modeling did not meet the statistical confidence thresholds required to predict the impact of this variant on SAMD9 protein function. In summary, the available evidence is currently insufficient to determine the role of this variant in disease. Therefore, it has been classified as a Variant of Uncertain Significance.

NM_017654.4(SAMD9):c.2569C>T (p.Leu857Phe)

Gene: SAMD9 (sterile alpha motif domain containing 9; minus strand). Cytogenetic location: 7q21.2.
Variant type: single nucleotide variant.
Coding change: c.2569C>T on transcript NM_017654.4 (MANE Select); coding-DNA position 2569, C replaced by T.
Protein change: p.Leu857Phe; replaces leucine 857 with phenylalanine.
Molecular consequence: missense variant.
Genome position (GRCh38, 1-based): chr7:93,103,529, G>A on the plus strand (C>T on the coding strand, the complement: SAMD9 is on the minus strand). VCF-style: chr7-93103529-G-A. GRCh37 (hg19) VCF-style: chr7-92732842-G-A.
Other names: c.2569C>T, p.Leu857Phe (NM_001193307.2); short protein forms L857F.
Identifiers: ClinVar variation 4802483 (VCV004802483.1).